The following is an entry in ClinVar:

ClinVar aggregate classification (germline): Uncertain significance. Review status: criteria provided, multiple submitters, no conflicts (2 of 4 stars). 2 submissions from 2 submitters: Uncertain significance (2). Last evaluated 2025-12-11.

Conditions:
Inborn genetic diseases. Identifiers: MedGen C0950123, MeSH D030342.

Allele frequency attached by ClinVar (database versions not stated): gnomAD 0.00004; ExAC 0.00002; gnomAD exomes 0.00006; TOPMed 0.00003.
gnomAD v4.1: 89 of 1,613,838 alleles (0.0055%); highest among the groups gnomAD compares: South Asian, 0.011%; no homozygotes.

Submissions (2):

Ambry Genetics
Classification: Uncertain significance for Inborn genetic diseases. Last evaluated: 2025-12-11. Review status: criteria provided, single submitter. Criteria: Ambry Variant Classification Scheme 2023. Collection method: clinical testing. Allele origin: germline.
Comment: The c.6265G>A (p.A2089T) alteration is located in exon 46 (coding exon 45) of the MYO7A gene. This alteration results from a G to A substitution at nucleotide position 6265, causing the alanine (A) at amino acid position 2089 to be replaced by a threonine (T). Based on data from gnomAD, the A allele has an overall frequency of 0.003% (8/280816) total alleles studied. The highest observed frequency was 0.01% (3/30602) of South Asian alleles. This amino acid position is well conserved in available vertebrate species. This alteration is predicted to be tolerated by in silico analysis. Based on insufficient or conflicting evidence, the clinical significance of this alteration remains unclear.

Labcorp Genetics (formerly Invitae), Labcorp
Classification: Uncertain significance. Last evaluated: 2024-01-29. Review status: criteria provided, single submitter. Criteria: Invitae Variant Classification Sherloc (09022015). Collection method: clinical testing. Allele origin: germline.
Comment: This sequence change replaces alanine, which is neutral and non-polar, with threonine, which is neutral and polar, at codon 2089 of the MYO7A protein (p.Ala2089Thr). This variant is present in population databases (rs758783525, gnomAD 0.01%). This variant has not been reported in the literature in individuals affected with MYO7A-related conditions. ClinVar contains an entry for this variant (Variation ID: 2141819). Advanced modeling of protein sequence and biophysical properties (such as structural, functional, and spatial information, amino acid conservation, physicochemical variation, residue mobility, and thermodynamic stability) performed at Invitae indicates that this missense variant is not expected to disrupt MYO7A protein function with a negative predictive value of 95%. In summary, the available evidence is currently insufficient to determine the role of this variant in disease. Therefore, it has been classified as a Variant of Uncertain Significance.

NM_000260.4(MYO7A):c.6265G>A (p.Ala2089Thr)

Gene: MYO7A (myosin VIIA; plus strand). Cytogenetic location: 11q13.5.
Variant type: single nucleotide variant.
Coding change: c.6265G>A on transcript NM_000260.4 (MANE Select); coding-DNA position 6265, G replaced by A.
Protein change: p.Ala2089Thr; replaces alanine 2089 with threonine.
Molecular consequence: missense variant.
Genome position (GRCh38, 1-based): chr11:77,211,848, G>A. VCF-style: chr11-77211848-G-A. GRCh37 (hg19) VCF-style: chr11-76922893-G-A.
Other names: c.6151G>A, p.Ala2051Thr (NM_001127180.2); c.6118G>A, p.Ala2040Thr (NM_001369365.1); c.6265G>A (NM_000260.3); short protein forms A2089T, A2040T, A2051T.
Identifiers: ClinVar variation 2141819 (VCV002141819.4), dbSNP rs758783525, ClinGen allele CA6198984.
Genomic context (GRCh38, chr11:77,211,848, plus strand): 5'-CTGAGCCCAGCCCTGACCGCCCTGTCCCCATAGTCCATCGTCGCCTACTTCAACAAGCAC[G>A]CAGGGAAGTCCAAGGAGGAGGCCAAGCTGGCCTTCCTGAAGCTCATCTTCAAGTGGCCCA-3'
Protein context (NP_000251.3, residues 2079-2099): RSIVAYFNKH[Ala2089Thr]GKSKEEAKLA